The following is an entry in ClinVar:

ClinVar aggregate classification (germline): Pathogenic. Review status: criteria provided, multiple submitters, no conflicts (2 of 4 stars). 3 submissions from 3 submitters: Pathogenic (2). 1 of the submissions does not count toward it. Last evaluated 2025-05-26.

Conditions:
RPGRIP1-related disorder. Also called: RPGRIP1-related condition.
Leber congenital amaurosis 6 (LCA6). Identifiers: Orphanet 65, MedGen C1854260, MONDO:0013446, OMIM 613826.

Submissions (3):

3billion
Classification: Pathogenic for RPGRIP1-related disorder. Last evaluated: 2025-05-26. Review status: criteria provided, single submitter. Criteria: ACMG Guidelines, 2015. Collection method: clinical testing. Allele origin: germline. Affected: yes.
Comment: The variant is not observed in the gnomAD v4.1.0 dataset. Predicted Consequence/Location: Canonical splice site: predicted to alter splicing and result in a loss or disruption of normal protein function. Multiple pathogenic loss-of-function variants are reported downstream of the variant. The variant has been reported to be associated with RPGRIP1-related disorder (ClinVar ID: VCV000981645). Therefore, this variant is classified as Pathogenic according to the recommendation of ACMG/AMP guideline.

CeGaT Center for Human Genetics Tuebingen
Classification: Pathogenic. Last evaluated: 2023-08-01. Review status: criteria provided, single submitter. Criteria: CeGaT Center For Human Genetics Tuebingen Variant Classification Criteria Version 2. Collection method: clinical testing. Allele origin: germline. Affected: yes. Observed: 1 variant allele.
Comment: RPGRIP1: PVS1, PM2

Laboratory of Genetics in Ophthalmology, Institut Imagine
Classification: Pathogenic for Leber congenital amaurosis 6. Review status: no assertion criteria provided. Collection method: research. Allele origin: inherited. Affected: yes. Observed: 1 variant allele. Not counted in ClinVar's aggregate classification.

NM_020366.4(RPGRIP1):c.3239-1_3241del

Gene: RPGRIP1 (RPGR interacting protein 1; plus strand). Cytogenetic location: 14q11.2.
Variant type: Deletion.
Coding change: c.3239-1_3241del on transcript NM_020366.4 (MANE Select); the canonical splice acceptor site of the intron before coding-DNA position 3239 through coding-DNA position 3241, 4 bases deleted (GACA; older notation c.3239-1_3241delGACA).
Molecular consequence: splice acceptor variant. On other transcripts: frameshift variant (2).
Genome position (GRCh38, 1-based): chr14:21,334,604-21,334,607, GACA deleted; deleting any 4 consecutive bases within chr14:21,334,602-21,334,607 gives the same sequence; the c. name uses the placement nearest the transcript's 3' end. VCF-style (leftmost placement, unchanged base first): chr14-21334601-GCAGA-G. GRCh37 (hg19) VCF-style: chr14-21802760-GCAGA-G.
Other names: c.1216_1219del, p.Asp406fs (NM_001377950.1); c.721_724del, p.Asp241fs (NM_001377951.1); c.2165-1_2167del (NM_001377948.1); c.1325-1_1327del (NM_001377949.1); c.1217-1_1219del (NM_001377523.1); short protein forms D241fs, D406fs.
Identifiers: ClinVar variation 981645 (VCV000981645.26), dbSNP rs1884133804, ClinGen allele CA1139663399.
Genomic context (GRCh38, chr14:21,334,601, plus strand): 5'-TGGGTCTTTTCTTGGGCTAAAGTGCTTTGAAACAGTTCTATAACTGCAACCTCTTCTCTA[GCAGA>G]CAAAGAATCCTCTGAACAAGGTTCTGAAGTCAGTGAAGCACAAACTACCGACAGTGATGA-3'